The following is an entry in ClinVar:

NM_001943.5(DSG2):c.216+14_216+15del

Gene: DSG2 (desmoglein 2; plus strand). Cytogenetic location: 18q12.1.
Variant type: Microsatellite.
Coding change: c.216+14_216+15del on transcript NM_001943.5 (MANE Select); bases 14 to 15 of the intron after coding-DNA position 216, 2 bases deleted (AG; older notation c.216+14_216+15delAG).
Molecular consequence: intron variant.
Genome position (GRCh38, 1-based): chr18:31,519,951-31,519,952, AG deleted; deleting any 2 consecutive bases within chr18:31,519,949-31,519,952 gives the same sequence; the c. name uses the placement nearest the transcript's 3' end. VCF-style (leftmost placement, unchanged base first): chr18-31519948-AAG-A. GRCh37 (hg19) VCF-style: chr18-29099911-AAG-A.
Identifiers: ClinVar variation 227339 (VCV000227339.5), dbSNP rs876657458, ClinGen allele CA044974.

ClinVar aggregate classification (germline): Likely benign. Review status: criteria provided, multiple submitters, no conflicts (2 of 4 stars). 2 submissions from 2 submitters: Likely benign (2). Last evaluated 2025-10-09.

Conditions:
Arrhythmogenic right ventricular dysplasia 10. Also called: Arrhythmogenic Right Ventricular Dysplasia/Cardiomyopathy10; Arrhythmogenic right ventricular dysplasia/cardiomyopathy, type 10; ARRHYTHMOGENIC RIGHT VENTRICULAR DYSPLASIA, FAMILIAL, 10. Identifiers: MedGen C1857777, MONDO:0012434, OMIM 610193.

Submissions (2):

Labcorp Genetics (formerly Invitae), Labcorp
Classification: Likely benign for Arrhythmogenic right ventricular dysplasia 10. Last evaluated: 2025-10-09. Review status: criteria provided, single submitter. Criteria: Invitae Variant Classification Sherloc (09022015). Collection method: clinical testing. Allele origin: germline.

Laboratory for Molecular Medicine, Mass General Brigham Personalized Medicine
Classification: Likely benign. Last evaluated: 2015-04-10. Review status: criteria provided, single submitter. Criteria: LMM Criteria. Collection method: clinical testing. Allele origin: germline. Observed: 1 variant allele.
Comment: c.216+14_216+15delAG in intron 3 of DSG2: This variant is not expected to have c linical significance because it does not chance an amino acid and is not located within the splice consensus sequence.